The following is an entry in ClinVar:

NM_004551.3(NDUFS3):c.49dup (p.Ala17fs)

Gene: NDUFS3 (NADH:ubiquinone oxidoreductase core subunit S3; plus strand). Cytogenetic location: 11p11.2.
Variant type: Duplication.
Coding change: c.49dup on transcript NM_004551.3 (MANE Select); coding-DNA position 49, one base duplicated (G; older notation c.49dupG).
Protein change: p.Ala17fs; shifts the reading frame from alanine 17.
Molecular consequence: frameshift variant.
Genome position (GRCh38, 1-based): chr11:47,579,140, G duplicated; the last of 5 consecutive G bases (chr11:47,579,136-47,579,140); duplicating any one gives the same sequence. VCF-style (leftmost placement, unchanged base first): chr11-47579135-T-TG. GRCh37 (hg19) VCF-style: chr11-47600687-T-TG.
Other names: short protein forms A17fs.
Identifiers: ClinVar variation 2258085 (VCV002258085.2), dbSNP rs2509726707, ClinGen allele CA2580084210.
Genomic context (GRCh38, chr11:47,579,135, plus strand): 5'-GTCTGCATCTGAGTAACATGGCGGCGGCGGCGGTAGCCAGGCTGTGGTGGCGCGGGATCT[T>TG]GGGGGCCTCGGCGCTGACCAGGGGTGAGCACGGGCAGCCAGCTGAGACCGGGGTCAGGCG-3'

ClinVar aggregate classification (germline): Pathogenic (1 of 4 stars; one submission).

Conditions:
Inborn genetic diseases. Identifiers: MedGen C0950123, MeSH D030342.

Submission:

Ambry Genetics
Classification: Pathogenic for Inborn genetic diseases. Last evaluated: 2021-12-07. Review status: criteria provided, single submitter. Criteria: Ambry Variant Classification Scheme 2023. Collection method: clinical testing. Allele origin: germline.
Comment: The c.49dupG (p.A17Gfs*36) alteration, located in exon 1 (coding exon 1) of the NDUFS3 gene, consists of a duplication of G at position 49, causing a translational frameshift with a predicted alternate stop codon after 36 amino acids. This alteration is expected to result in loss of function by premature protein truncation or nonsense-mediated mRNA decay. This variant was not reported in population-based cohorts in the Genome Aggregation Database (gnomAD). Based on the available evidence, this alteration is classified as pathogenic.